The following is an entry in ClinVar:

NM_000531.6(OTC):c.118C>T (p.Arg40Cys)

Gene: OTC (ornithine transcarbamylase; plus strand). Cytogenetic location: Xp11.4.
Variant type: single nucleotide variant.
Coding change: c.118C>T on transcript NM_000531.6 (MANE Select); coding-DNA position 118, C replaced by T.
Protein change: p.Arg40Cys; replaces arginine 40 with cysteine.
Molecular consequence: missense variant.
Genome position (GRCh38, 1-based): chrX:38,367,331, C>T. VCF-style: chrX-38367331-C-T. GRCh37 (hg19) VCF-style: chrX-38226584-C-T.
Other names: NM_000531.6(OTC):c.118C>T; short protein forms R40C.
Identifiers: ClinVar variation 11013 (VCV000011013.45), dbSNP rs72554307, ClinGen allele CA090910.

ClinVar aggregate classification (germline): Likely pathogenic. Review status: reviewed by expert panel (3 of 4 stars). 17 submissions from 17 submitters: Likely pathogenic (1). 16 of the submissions do not count toward it. Last evaluated 2026-09-15.

Conditions:
OTC-related disorder. Also called: OTC-related condition.
Ornithine carbamoyltransferase deficiency (OTCD). Also called: ORNITHINE TRANSCARBAMYLASE DEFICIENCY, HYPERAMMONEMIA DUE TO; ORNITHINE TRANSCARBAMYLASE DEFICIENCY; OTC DEFICIENCY; Ornithine Carbamoyltransferase Deficiency Disease. Identifiers: Orphanet 664, MedGen C0268542, MONDO:0010703, OMIM 311250.

Allele frequency attached by ClinVar (database versions not stated): gnomAD exomes 0.00001; TOPMed 0.00001; gnomAD 0.00005.
gnomAD v4.1: 17 of 1,200,513 alleles (0.0014%); highest among the groups gnomAD compares: Admixed American, 0.0022%; no homozygotes.

Submissions 1 to 5 of 17:

Clingen Urea Cycle Disorders Variant Curation Expert Panel, ClinGen
Classification: Likely pathogenic for Ornithine carbamoyltransferase deficiency. Last evaluated: 2026-09-15. Review status: reviewed by expert panel. Criteria: ClinGen UreaCycles ACMG Specifications OTC V1.0. Collection method: curation. Allele origin: germline. Inheritance: X-linked inheritance.
Comment: The NM_000531.6(OTC):c.118C>T variant in OTC is a missense variant predicted to cause substitution of Arg by Cys at amino acid 40 (p.Arg40Cys). Predictor REVEL gives a score of 0.902, which is between 0.773 and 0.932, and Moderate evidence of impact on OTC function (PP3_Moderate). The p.Arg40Cys also has one patient with this variant displaying hyperammonemia, urinary orotate, 3% OTC activity, which is highly specific for OTC deficiency (PMID: 7860066; PP4_Moderate). Another missense variant [c.119G>A, p.Arg40His; ClinVar Variation ID 11014], in the same codon, has been classified as pathogenic for OTC deficiency by the ClinGen Urea Cycle Disorders VCEP (PM5). The growth assay in yeast showed 31.1±0.07% of wild-type OTC growth activity, indicating that this variant impacts protein function (PMID: 37146589, PS3_Moderate). The Grpmax Filtered allele frequency in gnomAD v4.1.0 is 0.00000917, which is lower than the ClinGen UCD VCEP’s threshold for PM2_Supporting (<0.000015), however, there are 6 hemizygotes across all populations. While the presence of 6 hemizygotes meets BS2 criterion as specified by the UCD VCEP, this variant is excluded from BS2 given its known late onset phenotype. This variant has been reported in 1 additional proband with hyperammonemia and orotic aciduria (PMID: 20406775; PS4_supporting). The variant has been reported to segregate with OTC in the mother and sister affected PP1_SUPPORTING; PMID:7860066 In summary, this variant meets the criteria for being classified as likely pathogenic for OTC deficiency. ACMG/AMP criteria applied, as specified by the ClinGen UCD VCEP (OTC specifications version 1.0.0): PP3_moderate (+2), PP4_Moderate (+2), PM5 (+2), PS3_Moderate (+2), and PS4_Supporting (+1).

Myriad Genetics, Inc.
Classification: Likely pathogenic for Ornithine carbamoyltransferase deficiency. Last evaluated: 2026-07-27. Review status: criteria provided, single submitter. Criteria: Myriad Autosomal Dominant, Autosomal Recessive and X-Linked Classification Criteria (2023). Collection method: clinical testing. Allele origin: unknown. Not counted in ClinVar's aggregate classification.
Comment: NM_000531.5(OTC):c.118C>T(R40C) is a missense variant classified as likely pathogenic in the context of ornithine transcarbamylase deficiency. Please note that R40C is associated with late-onset ornithine transcarbamylase deficiency. R40C has been observed in cases with relevant disease (PMID: 7860066, 20406775, 27738433, 34014569). Relevant functional assessments of this variant are not available in the literature. R40C has been observed in referenced population frequency databases. In summary, NM_000531.5(OTC):c.118C>T(R40C) is a missense variant that has been observed more frequently in cases with the relevant disease than in healthy populations. Please note: this variant was assessed in the context of healthy population screening.

Victorian Clinical Genetics Services, Murdoch Childrens Research Institute
Classification: Pathogenic for Ornithine carbamoyltransferase deficiency. Last evaluated: 2026-06-01. Review status: criteria provided, single submitter. Criteria: ACMG Guidelines, 2015. Collection method: clinical testing. Allele origin: germline. Affected: no. Not counted in ClinVar's aggregate classification.
Comment: This variant is classified as Pathogenic. Evidence in support of pathogenic classification: Variant is present in gnomAD <0.01 (v4: 11 heterozygote(s), 0 homozygote(s), 6 hemizygote(s)); This variant has strong previous evidence of pathogenicity in unrelated individuals. This variant has been reported in multiple affected individuals and is consistently reported as a fatal late childhood/adulthood onset form of ornithine transcarbamylase deficiency (ClinVar; PMID: 7860066; 20406775; 11260212; 27738433); Other missense variant(s) comparable to the one identified in this case have very strong previous evidence for pathogenicity. In addition, p.(Arg40His) has also been reported in multiple OTC deficiency patients and has been suggested to result in a milder phenotype then p.(Arg40Cys) (ClinVar, PMID: 25026867; 11260212; 32995020; 19893582); Missense variant predicted to be damaging by in silico tool(s) or highly conserved with a major amino acid change. Additional information: Variant is predicted to result in a missense amino acid change from Arg to Cys; This variant is heterozygous; This gene is associated with X-linked disease; Variant is located in the annotated aspartate/ornithine carbamoyltransferase, carbamoyl-P binding domain (Pfam); Loss of function is a known mechanism of disease in this gene and is associated with ornithine transcarbamylase (OTC) deficiency (MIM#311250); Variants in this gene are known to have variable expressivity. In males, the phenotypic spectrum can range from lethal neonatal onset to milder forms in late childhood or adulthood. In heterozygous females the phenotypic spectrum can range from asymptomatic to having recurrent hyperammonaemia and/or neurologic impairment depending on the pattern of X-chromosome inactivation in the liver (OMIM, PMID: 24006547). In addition, individuals with pathogenic variants associated with mild late-onset disease may experience severe hyperammonaemia depending on exposure to strong environmental stressors (PMID: 24006547).

GeneDx
Classification: Likely pathogenic. Last evaluated: 2026-04-23. Review status: criteria provided, single submitter. Criteria: GeneDx Variant Classification Process June 2021. Collection method: clinical testing. Allele origin: germline. Not counted in ClinVar's aggregate classification.
Comment: Published functional studies support this variant retains residual OTC activity (PMID: 37146589, 41108081); In silico analysis supports that this missense variant has a deleterious effect on protein structure/function; This variant is associated with the following publications: (PMID: 23209112, 28324312, 8863155, 9143919, 20406775, 21070677, 11793468, 11260212, 7860066, 8364586, 34014569, 35046116, 37593415, 41108081, 27738433, 37146589, 40666616, 40464331)

Labcorp Genetics (formerly Invitae), Labcorp
Classification: Pathogenic for Ornithine carbamoyltransferase deficiency. Last evaluated: 2026-01-28. Review status: criteria provided, single submitter. Criteria: Invitae Variant Classification Sherloc (09022015). Collection method: clinical testing. Allele origin: germline. Not counted in ClinVar's aggregate classification.
Comment: This sequence change replaces arginine, which is basic and polar, with cysteine, which is neutral and slightly polar, at codon 40 of the OTC protein (p.Arg40Cys). This variant is present in population databases (rs72554307, gnomAD 0.003%), including at least one homozygous and/or hemizygous individual. This missense change has been observed in individuals with clinical features of ornithine transcarbamylase deficiency (PMID: 7860066, 11260212, 23209112; internal data). It has also been observed to segregate with disease in related individuals. ClinVar contains an entry for this variant (Variation ID: 11013). Invitae Evidence Modeling of protein sequence and biophysical properties (such as structural, functional, and spatial information, amino acid conservation, physicochemical variation, residue mobility, and thermodynamic stability) indicates that this missense variant is expected to disrupt OTC protein function with a positive predictive value of 95%. This variant disrupts the p.Arg40 amino acid residue in OTC. Other variant(s) that disrupt this residue have been determined to be pathogenic (PMID: 7951259, 19893582, 25026867). This suggests that this residue is clinically significant, and that variants that disrupt this residue are likely to be disease-causing. For these reasons, this variant has been classified as Pathogenic.